The following is an entry in ClinVar:

ClinVar aggregate classification (germline): Uncertain significance. Review status: criteria provided, multiple submitters, no conflicts (2 of 4 stars). 2 submissions from 2 submitters: Uncertain significance (2). Last evaluated 2024-12-28.

Conditions:
Pulmonary fibrosis and/or bone marrow failure, Telomere-related, 3. Also called: PULMONARY FIBROSIS AND/OR BONE MARROW FAILURE SYNDROME, TELOMERE-RELATED, 3. Identifiers: Orphanet 2032, MedGen C4225346, MONDO:0014613, OMIM 616373.
Dyskeratosis congenita, autosomal recessive 5 (DKCB5). Identifiers: MedGen C3554656, MONDO:0014076, OMIM 615190.
Inborn genetic diseases. Identifiers: MedGen C0950123, MeSH D030342.

Submissions (2):

Ambry Genetics
Classification: Uncertain significance for Inborn genetic diseases. Last evaluated: 2024-12-28. Review status: criteria provided, single submitter. Criteria: Ambry Variant Classification Scheme 2023. Collection method: clinical testing. Allele origin: germline.
Comment: The p.H424L variant (also known as c.1271A>T), located in coding exon 15 of the RTEL1 gene, results from an A to T substitution at nucleotide position 1271. The histidine at codon 424 is replaced by leucine, an amino acid with similar properties. This amino acid position is conserved. In addition, this alteration is predicted to be deleterious by in silico analysis. Based on the available evidence, the clinical significance of this variant remains unclear.

Labcorp Genetics (formerly Invitae), Labcorp
Classification: Uncertain significance for Dyskeratosis congenita, autosomal recessive 5; Pulmonary fibrosis and/or bone marrow failure, Telomere-related, 3. Last evaluated: 2022-02-09. Review status: criteria provided, single submitter. Criteria: Invitae Variant Classification Sherloc (09022015). Collection method: clinical testing. Allele origin: germline.
Comment: In summary, the available evidence is currently insufficient to determine the role of this variant in disease. Therefore, it has been classified as a Variant of Uncertain Significance. Algorithms developed to predict the effect of missense changes on protein structure and function are either unavailable or do not agree on the potential impact of this missense change (SIFT: "Deleterious"; PolyPhen-2: "Possibly Damaging"; Align-GVGD: "Class C0"). This variant has not been reported in the literature in individuals affected with RTEL1-related conditions. This variant is not present in population databases (gnomAD no frequency). This sequence change replaces histidine, which is basic and polar, with leucine, which is neutral and non-polar, at codon 424 of the RTEL1 protein (p.His424Leu).

NM_001283009.2(RTEL1):c.1271A>T (p.His424Leu)

Genes: RTEL1 (regulator of telomere elongation helicase 1; plus strand), RTEL1-TNFRSF6B (RTEL1-TNFRSF6B readthrough (NMD candidate); plus strand). Cytogenetic location: 20q13.33.
Variant type: single nucleotide variant.
Coding change: c.1271A>T on transcript NM_001283009.2 (MANE Select); coding-DNA position 1271, A replaced by T.
Protein change: p.His424Leu; replaces histidine 424 with leucine.
Molecular consequence: missense variant. On other transcripts: non-coding transcript variant (1).
Genome position (GRCh38, 1-based): chr20:63,685,795, A>T. VCF-style: chr20-63685795-A-T. GRCh37 (hg19) VCF-style: chr20-62317148-A-T.
Other names: c.602A>T, p.His201Leu (NM_001283010.1); c.1271A>T, p.His424Leu (NM_016434.4); c.1343A>T, p.His448Leu (NM_032957.5); short protein forms H448L, H201L, H424L.
Identifiers: ClinVar variation 1990059 (VCV001990059.5), dbSNP rs2090579781, ClinGen allele CA409675922.
Genomic context (GRCh38, chr20:63,685,795, plus strand): 5'-GGGCTGCCCCCAGGACATGGGCGGGGCCTCCACACTCCTGGTCCTGTCCCCTCCAGGTGC[A>T]CATCCATCCTGATGCTGGTCACCGGAGGACGGCTCAGCGGTCTGATGCCTGGAGCACCAC-3'
Protein context (NP_001269938.1, residues 414-434): GLGALQSYKV[His424Leu]IHPDAGHRRT